The following is an entry in ClinVar:

ClinVar aggregate classification (germline): Uncertain significance (1 of 4 stars; one submission).

Allele frequency attached by ClinVar (database versions not stated): ExAC 0.00001; gnomAD exomes 0.00001; TOPMed 0.00003; gnomAD 0.00003.
gnomAD v4.1: 23 of 1,612,822 alleles (0.0014%); highest among the groups gnomAD compares: Admixed American, 0.005%; no homozygotes.

Submission:

Labcorp Genetics (formerly Invitae), Labcorp
Classification: Uncertain significance. Last evaluated: 2025-09-02. Review status: criteria provided, single submitter. Criteria: Invitae Variant Classification Sherloc (09022015). Collection method: clinical testing. Allele origin: germline.
Comment: This sequence change replaces arginine, which is basic and polar, with histidine, which is basic and polar, at codon 304 of the ITPR1 protein (p.Arg304His). The frequency data for this variant in the population databases is considered unreliable, as metrics indicate poor data quality at this position in the gnomAD database. This variant has not been reported in the literature in individuals affected with ITPR1-related conditions. ClinVar contains an entry for this variant (Variation ID: 2992165). Invitae Evidence Modeling of protein sequence and biophysical properties (such as structural, functional, and spatial information, amino acid conservation, physicochemical variation, residue mobility, and thermodynamic stability) indicates that this missense variant is expected to disrupt ITPR1 protein function with a positive predictive value of 95%. In summary, the available evidence is currently insufficient to determine the role of this variant in disease. Therefore, it has been classified as a Variant of Uncertain Significance.

NM_001378452.1(ITPR1):c.911G>A (p.Arg304His)

Gene: ITPR1 (inositol 1,4,5-trisphosphate receptor type 1; plus strand). Cytogenetic location: 3p26.1.
Variant type: single nucleotide variant.
Coding change: c.911G>A on transcript NM_001378452.1 (MANE Select); coding-DNA position 911, G replaced by A.
Protein change: p.Arg304His; replaces arginine 304 with histidine.
Molecular consequence: missense variant.
Genome position (GRCh38, 1-based): chr3:4,652,178, G>A. VCF-style: chr3-4652178-G-A. GRCh37 (hg19) VCF-style: chr3-4693862-G-A.
Other names: c.911G>A, p.Arg304His (NM_001099952.4, NM_001168272.2, NM_002222.7); short protein forms R304H.
Identifiers: ClinVar variation 2992165 (VCV002992165.3), dbSNP rs773337674, ClinGen allele CA2231016.
Genomic context (GRCh38, chr3:4,652,178, plus strand): 5'-TGCAGGTGGTCCAGCATGACCCATGTCGGGGCGGAGCAGGGTATTGGAACAGCCTTTTCC[G>A]TTTCAAGCATCTGGCCACGGGGCATTACTTGGCAGCAGAGGTAAGTAGCAGCTCCTGTGG-3'
Protein context (NP_001365381.1, residues 294-314): GGAGYWNSLF[Arg304His]FKHLATGHYL